The following is an entry in ClinVar:

ClinVar aggregate classification (germline): Likely pathogenic (1 of 4 stars; one submission).

Conditions:
Fanconi anemia complementation group Q. Identifiers: Orphanet 84, MedGen C3808988, MONDO:0014108, OMIM 615272.
XFE progeroid syndrome (XFEPS). Also called: XPF-ERCC1 PROGEROID SYNDROME. Identifiers: MedGen C1970416, MONDO:0012590, OMIM 610965.
Xeroderma pigmentosum, group F (XPF). Also called: XERODERMA PIGMENTOSUM, TYPE F; Xeroderma pigmentosum, type 6; XERODERMA PIGMENTOSUM VI; XP, GROUP F; XERODERMA PIGMENTOSUM, COMPLEMENTATION GROUP F; ERCC4-Related Xeroderma Pigmentosum. Identifiers: MedGen C0268140, MONDO:0010215, OMIM 278760.

Submission:

Juno Genomics, Hangzhou Juno Genomics, Inc
Classification: Likely pathogenic for Xeroderma pigmentosum, group F; XFE progeroid syndrome; Fanconi anemia complementation group Q. Review status: criteria provided, single submitter. Criteria: ACMG Guidelines, 2015. Collection method: clinical testing. Allele origin: germline.
Comment: Absent from controls (or at extremely low frequency if recessive) in Genome Aggregation Database.;Null variant in a gene where loss of function (LOF) is a known mechanism of disease.

NM_005236.3(ERCC4):c.1001C>A (p.Ser334Ter)

Gene: ERCC4 (ERCC excision repair 4, endonuclease catalytic subunit; plus strand). Cytogenetic location: 16p13.12.
Variant type: single nucleotide variant.
Coding change: c.1001C>A on transcript NM_005236.3 (MANE Select); coding-DNA position 1001, C replaced by A.
Protein change: p.Ser334Ter; replaces serine 334 with a stop codon.
Molecular consequence: nonsense.
Genome position (GRCh38, 1-based): chr16:13,932,184, C>A. VCF-style: chr16-13932184-C-A. GRCh37 (hg19) VCF-style: chr16-14026041-C-A.
Other names: short protein forms S334*.
Identifiers: ClinVar variation 5019091 (VCV005019091.2).